The following is an entry in ClinVar:

ClinVar aggregate classification (germline): Pathogenic (3 of 4 stars; one submission).

Conditions:
Breast-ovarian cancer, familial, susceptibility to, 2 (BROVCA2). Also called: BRCA2 Hereditary Breast and Ovarian Cancer. Identifiers: Orphanet 145, MedGen C2675520, MONDO:0012933, OMIM 612555. Disease mechanism: loss of function.

Submission:

Evidence-based Network for the Interpretation of Germline Mutant Alleles (ENIGMA)
Classification: Pathogenic for Breast-ovarian cancer, familial, susceptibility to, 2. Last evaluated: 2017-12-15. Review status: reviewed by expert panel. Criteria: ENIGMA BRCA1/2 Classification Criteria (2017-06-29). Collection method: curation. Allele origin: germline. Study: ENIGMA.
Comment: Variant allele predicted to encode a truncated non-functional protein.

NM_000059.4(BRCA2):c.4975_4976insG (p.Ser1659fs)

Gene: BRCA2 (BRCA2 DNA repair associated; plus strand). Cytogenetic location: 13q13.1.
Variant type: Insertion.
Coding change: c.4975_4976insG on transcript NM_000059.4 (MANE Select); coding-DNA positions 4975 to 4976, G inserted.
Protein change: p.Ser1659fs; shifts the reading frame from serine 1659.
Molecular consequence: frameshift variant.
Genome position: GRCh38 VCF-style: chr13-32339330-T-TG. GRCh37 (hg19) VCF-style: chr13-32913467-T-TG.
Other names: short protein forms S1659fs.
Identifiers: ClinVar variation 548385 (VCV000548385.1), dbSNP rs1555284014, ClinGen allele CA658823626.